The following is an entry in ClinVar:

ClinVar aggregate classification (germline): Uncertain significance. Review status: criteria provided, multiple submitters, no conflicts (2 of 4 stars). 3 submissions from 3 submitters: Uncertain significance (3). Last evaluated 2025-11-15.

Conditions:
Hereditary cancer-predisposing syndrome. Also called: Neoplastic Syndromes, Hereditary; Tumor predisposition; Hereditary Cancer Syndrome; Hereditary neoplastic syndrome. Identifiers: Orphanet 140162, MedGen C0027672, MeSH D009386, MONDO:0015356.

Allele frequency attached by ClinVar (database versions not stated): gnomAD exomes below 0.00001; ExAC 0.00001; ESP Exome Variant Server 0.00008.
gnomAD v4.1: 2 of 1,614,194 alleles (0.00012%); highest among the groups gnomAD compares: Non-Finnish European, 0.00017%; no homozygotes.

Submissions (3):

Labcorp Genetics (formerly Invitae), Labcorp
Classification: Uncertain significance. Last evaluated: 2025-11-15. Review status: criteria provided, single submitter. Criteria: Invitae Variant Classification Sherloc (09022015). Collection method: clinical testing. Allele origin: germline.
Comment: This sequence change replaces glutamine, which is neutral and polar, with histidine, which is basic and polar, at codon 917 of the MSH3 protein (p.Gln917His). This variant is present in population databases (rs377380366, gnomAD 0.0009%). This variant has not been reported in the literature in individuals affected with MSH3-related conditions. ClinVar contains an entry for this variant (Variation ID: 651604). An algorithm developed to predict the effect of missense changes on protein structure and function (PolyPhen-2) suggests that this variant is likely to be disruptive. In summary, the available evidence is currently insufficient to determine the role of this variant in disease. Therefore, it has been classified as a Variant of Uncertain Significance.

Ambry Genetics
Classification: Uncertain significance for Hereditary cancer-predisposing syndrome. Last evaluated: 2024-08-19. Review status: criteria provided, single submitter. Criteria: Ambry Variant Classification Scheme 2023. Collection method: clinical testing. Allele origin: germline.
Comment: The p.Q917H variant (also known as c.2751G>T), located in coding exon 20 of the MSH3 gene, results from a G to T substitution at nucleotide position 2751. The glutamine at codon 917 is replaced by histidine, an amino acid with highly similar properties. This amino acid position is conserved. In addition, this alteration is predicted to be deleterious by in silico analysis. Since supporting evidence is limited at this time, the clinical significance of this alteration remains unclear.

Quest Diagnostics Nichols Institute San Juan Capistrano
Classification: Uncertain significance. Last evaluated: 2023-03-23. Review status: criteria provided, single submitter. Criteria: Quest Diagnostics criteria. Collection method: clinical testing. Allele origin: unknown.
Comment: The variant has not been reported in the published literature. The frequency of this variant in the general population, 0.000004 (1/251456 chromosomes), is uninformative in assessment of its pathogenicity. Analysis of this variant using bioinformatics tools for the prediction of the effect of amino acid changes on protein structure and function yielded conflicting predictions that this variant is deleterious or benign. Based on the available information, we are unable to determine the clinical significance of this variant.

NM_002439.5(MSH3):c.2751G>T (p.Gln917His)

Gene: MSH3 (mutS homolog 3; plus strand). Cytogenetic location: 5q14.1.
Variant type: single nucleotide variant.
Coding change: c.2751G>T on transcript NM_002439.5 (MANE Select); coding-DNA position 2751, G replaced by T.
Protein change: p.Gln917His; replaces glutamine 917 with histidine.
Molecular consequence: missense variant.
Genome position (GRCh38, 1-based): chr5:80,813,679, G>T. VCF-style: chr5-80813679-G-T. GRCh37 (hg19) VCF-style: chr5-80109498-G-T.
Other names: short protein forms Q917H.
Identifiers: ClinVar variation 651604 (VCV000651604.11), dbSNP rs377380366, ClinGen allele CA3328346.